The following is an entry in ClinVar:

ClinVar aggregate classification (germline): Uncertain significance (1 of 4 stars; one submission).

Conditions:
Hereditary cancer-predisposing syndrome. Also called: Neoplastic Syndromes, Hereditary; Tumor predisposition; Hereditary Cancer Syndrome; Hereditary neoplastic syndrome. Identifiers: Orphanet 140162, MedGen C0027672, MeSH D009386, MONDO:0015356.

Submission:

Ambry Genetics
Classification: Uncertain significance for Hereditary cancer-predisposing syndrome. Last evaluated: 2026-04-04. Review status: criteria provided, single submitter. Criteria: Ambry Variant Classification Scheme 2023. Collection method: clinical testing. Allele origin: germline.
Comment: The p.I544M variant (also known as c.1632A>G), located in coding exon 13 of the BAP1 gene, results from an A to G substitution at nucleotide position 1632. The isoleucine at codon 544 is replaced by methionine, an amino acid with highly similar properties. This amino acid position is conserved. In addition, this alteration is predicted to be tolerated by in silico analysis. Based on the available evidence, the clinical significance of this variant remains unclear.

NM_004656.4(BAP1):c.1632A>G (p.Ile544Met)

Gene: BAP1 (BRCA1 associated deubiquitinase 1; minus strand). Cytogenetic location: 3p21.1.
Variant type: single nucleotide variant.
Coding change: c.1632A>G on transcript NM_004656.4 (MANE Select); coding-DNA position 1632, A replaced by G.
Protein change: p.Ile544Met; replaces isoleucine 544 with methionine.
Molecular consequence: missense variant.
Genome position (GRCh38, 1-based): chr3:52,403,513, T>C on the plus strand (A>G on the coding strand, the complement: BAP1 is on the minus strand). VCF-style: chr3-52403513-T-C. GRCh37 (hg19) VCF-style: chr3-52437529-T-C.
Other names: c.1578A>G, p.Ile526Met (NM_001410772.1); short protein forms I526M, I544M.
Identifiers: ClinVar variation 4867346 (VCV004867346.1).
Genomic context (GRCh38, chr3:52,403,513, plus strand): 5'-CAGGTGCAGCAGGCCTGTGCTGATGACAGGACCCAGATCACGGACAGCACGGTTGTAGCG[T>C]ATGCAGTCAACACGCAGCAGGCTGTCATCCTCTCCAAAAAGCACCTTGGAGATGTGGGAG-3'
Protein context (NP_004647.1, residues 534-554): EDDSLLRVDC[Ile544Met]RYNRAVRDLG